The following is an entry in ClinVar:

ClinVar aggregate classification (germline): Uncertain significance (1 of 4 stars; one submission).

Conditions:
NCOA1-related disorder. Also called: NCOA1-related condition.

gnomAD v4.1: 2 of 1,613,914 alleles (0.00012%); highest among the groups gnomAD compares: Admixed American, 0.0033%; no homozygotes.

Submission:

PreventionGenetics, part of Exact Sciences
Classification: Uncertain significance for NCOA1-related condition. Last evaluated: 2026-02-01. Review status: criteria provided, single submitter. Criteria: ACMG Guidelines, 2015. Collection method: clinical testing. Allele origin: germline.
Comment: The NCOA1 c.2312T>G variant is predicted to result in the amino acid substitution p.Val771Gly. To our knowledge, this variant has not been reported in the literature. This variant is reported in 0.0029% of alleles in individuals of Latino descent in gnomAD. At this time, the clinical significance of this variant is uncertain due to the absence of conclusive functional and genetic evidence.

NM_003743.5(NCOA1):c.2312T>G (p.Val771Gly)

Gene: NCOA1 (nuclear receptor coactivator 1; plus strand). Cytogenetic location: 2p23.3.
Variant type: single nucleotide variant.
Coding change: c.2312T>G on transcript NM_003743.5 (MANE Select); coding-DNA position 2312, T replaced by G.
Protein change: p.Val771Gly; replaces valine 771 with glycine.
Molecular consequence: missense variant.
Genome position (GRCh38, 1-based): chr2:24,707,782, T>G. VCF-style: chr2-24707782-T-G. GRCh37 (hg19) VCF-style: chr2-24930651-T-G.
Other names: c.2312T>G, p.Val771Gly (NM_001362950.1, NM_001362952.1, NM_001362954.1 and 3 more transcripts); short protein forms V771G.
Identifiers: ClinVar variation 4986694 (VCV004986694.1).